The following is an entry in ClinVar:

NM_000089.4(COL1A2):c.3152G>C (p.Gly1051Ala)

Gene: COL1A2 (collagen type I alpha 2 chain; plus strand). Cytogenetic location: 7q21.3.
Variant type: single nucleotide variant.
Coding change: c.3152G>C on transcript NM_000089.4 (MANE Select); coding-DNA position 3152, G replaced by C.
Protein change: p.Gly1051Ala; replaces glycine 1051 with alanine.
Molecular consequence: missense variant.
Genome position (GRCh38, 1-based): chr7:94,427,054, G>C. VCF-style: chr7-94427054-G-C. GRCh37 (hg19) VCF-style: chr7-94056366-G-C.
Other names: short protein forms G1051A.
Identifiers: ClinVar variation 1474787 (VCV001474787.8), dbSNP rs2115957255, ClinGen allele CA368225377.
Genomic context (GRCh38, chr7:94,427,054, plus strand): 5'-TTCTGTCTTTAAAGGGTCACCATGGTGATCAAGGTGCTCCTGGCTCCGTGGGTCCTGCTG[G>C]TCCTAGGGTAGGTGGACTCAAGAGAAGACAGTTCATCTCTGAAATAGAGGCTAAAGCGAG-3'
Protein context (NP_000080.2, residues 1041-1061): QGAPGSVGPA[Gly1051Ala]PRGPAGPSGP

ClinVar aggregate classification (germline): Likely pathogenic (1 of 4 stars; one submission).

Conditions:
Ehlers-Danlos syndrome, classic type, 1 (EDSCL1). Also called: EHLERS-DANLOS SYNDROME, GRAVIS TYPE; EHLERS-DANLOS SYNDROME, SEVERE CLASSIC TYPE; Ehlers-Danlos syndrome, type 1; Ehlers-Danlos Syndrome, Classic Type, COL5A1-Related; EDS I. Identifiers: MedGen C0268335, MONDO:0019567, OMIM 130000.
Osteogenesis imperfecta type I (OI1). Also called: OI, TYPE I; OSTEOGENESIS IMPERFECTA TARDA; OSTEOGENESIS IMPERFECTA WITH BLUE SCLERAE; Osteogenesis imperfecta type 1; Lobstein's Disease; Lobstein disease. Identifiers: Orphanet 216796, Orphanet 666, MedGen C0023931, MONDO:0008146, OMIM 166200. Disease mechanism: loss of function.

Submission:

Labcorp Genetics (formerly Invitae), Labcorp
Classification: Likely pathogenic for Osteogenesis imperfecta type I; Ehlers-Danlos syndrome, classic type, 1. Last evaluated: 2022-06-14. Review status: criteria provided, single submitter. Criteria: Invitae Variant Classification Sherloc (09022015). Collection method: clinical testing. Allele origin: germline.
Comment: This sequence change replaces glycine, which is neutral and non-polar, with alanine, which is neutral and non-polar, at codon 1051 of the COL1A2 protein (p.Gly1051Ala). In summary, the currently available evidence indicates that the variant is pathogenic, but additional data are needed to prove that conclusively. Therefore, this variant has been classified as Likely Pathogenic. This variant disrupts the triple helix domain of COL1A2. Glycine residues within the Gly-Xaa-Yaa repeats of the triple helix domain are required for the structure and stability of fibrillar collagens (PMID: 7695699, 8218237, 19344236). In COL1A2, variants affecting these glycine residues are significantly enriched in individuals with disease (PMID: 9016532, 17078022) compared to the general population (ExAC). Advanced modeling of protein sequence and biophysical properties (such as structural, functional, and spatial information, amino acid conservation, physicochemical variation, residue mobility, and thermodynamic stability) performed at Invitae indicates that this missense variant is expected to disrupt COL1A2 protein function. This variant has not been reported in the literature in individuals affected with COL1A2-related conditions. This variant is not present in population databases (gnomAD no frequency).

Literature cited by the submitters: PubMed 7695699; PubMed 8218237; PubMed 19344236; PubMed 9016532; PubMed 17078022.